The following is an entry in ClinVar:

ClinVar aggregate classification (germline): Benign/Likely benign. Review status: criteria provided, multiple submitters, no conflicts (2 of 4 stars). 2 submissions from 2 submitters: Benign (1); Likely benign (1). Last evaluated 2024-04-01.

Conditions:
Familial adenomatous polyposis 1 (FAP1). Also called: FAMILIAL ADENOMATOUS POLYPOSIS 1, ATTENUATED; POLYPOSIS, ADENOMATOUS INTESTINAL. Identifiers: MedGen C2713442, MONDO:0021056, OMIM 175100. Disease mechanism: loss of function.

Submissions (2):

Myriad Genetics, Inc.
Classification: Benign for Familial adenomatous polyposis 1. Last evaluated: 2024-04-01. Review status: criteria provided, single submitter. Criteria: Myriad Autosomal Dominant, Autosomal Recessive and X-Linked Classification Criteria (2023). Collection method: clinical testing. Allele origin: unknown.
Comment: This variant is considered benign. This variant is a silent/synonymous amino acid change and it is not expected to impact splicing.

Labcorp Genetics (formerly Invitae), Labcorp
Classification: Likely benign for Familial adenomatous polyposis 1. Last evaluated: 2018-10-20. Review status: criteria provided, single submitter. Criteria: Invitae Variant Classification Sherloc (09022015). Collection method: clinical testing. Allele origin: germline.

NM_000038.6(APC):c.5217G>A (p.Lys1739=)

Gene: APC (APC regulator of Wnt signaling pathway; plus strand). Cytogenetic location: 5q22.2.
Variant type: single nucleotide variant.
Coding change: c.5217G>A on transcript NM_000038.6 (MANE Select); coding-DNA position 5217, G replaced by A.
Protein change: p.Lys1739=; no amino-acid change (lysine 1739 retained).
Molecular consequence: synonymous variant.
Genome position (GRCh38, 1-based): chr5:112,840,811, G>A. VCF-style: chr5-112840811-G-A. GRCh37 (hg19) VCF-style: chr5-112176508-G-A.
Other names: c.5217G>A, p.Lys1739= (NM_001127510.3, NM_001354895.2); c.5163G>A, p.Lys1721= (NM_001127511.3); c.5271G>A, p.Lys1757= (NM_001354896.2); c.5247G>A, p.Lys1749= (NM_001354897.2); c.5142G>A, p.Lys1714= (NM_001354898.2); c.5133G>A, p.Lys1711= (NM_001354899.2); c.5094G>A, p.Lys1698= (NM_001354900.2); c.5040G>A, p.Lys1680= (NM_001354901.2); and 5 more.
Identifiers: ClinVar variation 793425 (VCV000793425.11), dbSNP rs1580657520, ClinGen allele CA446209646.
Genomic context (GRCh38, chr5:112,840,811, plus strand): 5'-GGAAGGTGATATTCTTGCAGAATGCATTAATTCTGCTATGCCCAAAGGGAAAAGTCACAA[G>A]CCTTTCCGTGTGAAAAAGATAATGGACCAGGTCCAGCAAGCATCTGCGTCTTCTTCTGCA-3'
Protein context (NP_000029.2, residues 1729-1749): NSAMPKGKSH[Lys1739=]PFRVKKIMDQ